The following is an entry in ClinVar:

ClinVar aggregate classification (germline): Likely benign. Review status: criteria provided, multiple submitters, no conflicts (2 of 4 stars). 4 submissions from 4 submitters: Likely benign (4). Last evaluated 2026-09-01.

Conditions:
TTN-related disorder. Also called: TTN-related disorders; TTN-related condition; TTN-related disease.

Allele frequency attached by ClinVar (database versions not stated): 1000 Genomes Project 30x 0.00187; ExAC 0.00037.

Submissions (4):

CeGaT Center for Human Genetics Tuebingen
Classification: Likely benign. Last evaluated: 2026-09-01. Review status: criteria provided, single submitter. Criteria: CeGaT Center For Human Genetics Tuebingen Variant Classification Criteria Version 2. Collection method: clinical testing. Allele origin: germline. Affected: yes. Observed: 5 variant alleles.
Comment: TTN: BS2

PreventionGenetics, part of Exact Sciences
Classification: Likely benign for TTN-related condition. Last evaluated: 2025-05-28. Review status: criteria provided, single submitter. Criteria: ACMG Guidelines, 2015. Collection method: clinical testing. Allele origin: germline.
Comment: This variant is classified as likely benign based on ACMG/AMP sequence variant interpretation guidelines (Richards et al. 2015 PMID: 25741868, with internal and published modifications).

Molecular Diagnostic Laboratory for Inherited Cardiovascular Disease, Montreal Heart Institute
Classification: Likely benign. Last evaluated: 2025-04-09. Review status: criteria provided, single submitter. Criteria: ACMG Guidelines, 2015. Collection method: clinical testing. Allele origin: germline. Affected: no.

Blueprint Genetics
Classification: Likely benign. Last evaluated: 2024-11-08. Review status: criteria provided, single submitter. Criteria: ACMG Guidelines, 2015. Collection method: clinical testing. Allele origin: germline.

NM_001267550.2(TTN):c.38755G>A (p.Ala12919Thr)

Gene: TTN (titin; minus strand). Cytogenetic location: 2q31.2.
Variant type: single nucleotide variant.
Coding change: c.38755G>A on transcript NM_001267550.2 (MANE Select); coding-DNA position 38755, G replaced by A.
Protein change: p.Ala12919Thr; replaces alanine 12919 with threonine.
Molecular consequence: missense variant. On other transcripts: intron variant (5).
Genome position (GRCh38, 1-based): chr2:178,653,274, C>T on the plus strand (G>A on the coding strand, the complement: TTN is on the minus strand). VCF-style: chr2-178653274-C-T. GRCh37 (hg19) VCF-style: chr2-179518001-C-T.
Other names: c.13283-10957G>A (NM_003319.4); c.13859-10957G>A (NM_133437.4); c.13658-10957G>A (NM_133432.3); c.31742-733G>A (NM_133378.4); c.34523-733G>A (NM_001256850.1); short protein forms A12919T.
Identifiers: ClinVar variation 2651654 (VCV002651654.27), dbSNP rs781453248, ClinGen allele CA1997063.